The following is an entry in ClinVar:

NM_003924.4(PHOX2B):c.803G>A (p.Gly268Asp)

Gene: PHOX2B (paired like homeobox 2B; minus strand). Cytogenetic location: 4p13.
Variant type: single nucleotide variant.
Coding change: c.803G>A on transcript NM_003924.4 (MANE Select); coding-DNA position 803, G replaced by A.
Protein change: p.Gly268Asp; replaces glycine 268 with aspartic acid.
Molecular consequence: missense variant.
Genome position (GRCh38, 1-based): chr4:41,745,949, C>T on the plus strand (G>A on the coding strand, the complement: PHOX2B is on the minus strand). VCF-style: chr4-41745949-C-T. GRCh37 (hg19) VCF-style: chr4-41747966-C-T.
Other names: short protein forms G268D.
Identifiers: ClinVar variation 858862 (VCV000858862.12), dbSNP rs765369462, ClinGen allele CA2901414.

ClinVar aggregate classification (germline): Uncertain significance. Review status: criteria provided, multiple submitters, no conflicts (2 of 4 stars). 2 submissions from 2 submitters: Uncertain significance (2). Last evaluated 2024-04-29.

Conditions:
Hereditary cancer-predisposing syndrome. Also called: Tumor predisposition; Hereditary neoplastic syndrome; Neoplastic Syndromes, Hereditary; Hereditary Cancer Syndrome. Identifiers: Orphanet 140162, MedGen C0027672, MeSH D009386, MONDO:0015356.
Haddad syndrome (OHD). Also called: Ondine-Hirschsprung disease. Identifiers: Orphanet 99803, MedGen C1859049, MONDO:0020493.

Submissions (2):

Labcorp Genetics (formerly Invitae), Labcorp
Classification: Uncertain significance for Haddad syndrome. Last evaluated: 2024-04-29. Review status: criteria provided, single submitter. Criteria: Invitae Variant Classification Sherloc (09022015). Collection method: clinical testing. Allele origin: germline.
Comment: This sequence change replaces glycine, which is neutral and non-polar, with aspartic acid, which is acidic and polar, at codon 268 of the PHOX2B protein (p.Gly268Asp). The frequency data for this variant in the population databases is considered unreliable, as metrics indicate poor data quality at this position in the gnomAD database. This variant has not been reported in the literature in individuals affected with PHOX2B-related conditions. ClinVar contains an entry for this variant (Variation ID: 858862). Experimental studies and prediction algorithms are not available or were not evaluated, and the functional significance of this variant is currently unknown. In summary, the available evidence is currently insufficient to determine the role of this variant in disease. Therefore, it has been classified as a Variant of Uncertain Significance.

Ambry Genetics
Classification: Uncertain significance for Hereditary cancer-predisposing syndrome. Last evaluated: 2023-08-05. Review status: criteria provided, single submitter. Criteria: Ambry Variant Classification Scheme 2023. Collection method: clinical testing. Allele origin: germline.
Comment: The p.G268D variant (also known as c.803G>A), located in coding exon 3 of the PHOX2B gene, results from a G to A substitution at nucleotide position 803. The glycine at codon 268 is replaced by aspartic acid, an amino acid with similar properties. This amino acid position is highly conserved in available vertebrate species. In addition, the in silico prediction for this alteration is inconclusive. Since supporting evidence is limited at this time, the clinical significance of this alteration remains unclear.